The following is an entry in ClinVar:

NM_001276345.2(TNNT2):c.236C>G (p.Ser79Trp)

Gene: TNNT2 (troponin T2, cardiac type; minus strand). Cytogenetic location: 1q32.1.
Variant type: single nucleotide variant.
Coding change: c.236C>G on transcript NM_001276345.2 (MANE Select); coding-DNA position 236, C replaced by G.
Protein change: p.Ser79Trp; replaces serine 79 with tryptophan.
Molecular consequence: missense variant.
Genome position (GRCh38, 1-based): chr1:201,365,668, G>C on the plus strand (C>G on the coding strand, the complement: TNNT2 is on the minus strand). VCF-style: chr1-201365668-G-C. GRCh37 (hg19) VCF-style: chr1-201334796-G-C.
Other names: c.236C>G, p.Ser79Trp (NM_000364.4); c.206C>G, p.Ser69Trp (NM_001001430.3, NM_001001431.3, NM_001276347.2); c.191C>G, p.Ser64Trp (NM_001001432.3); c.233C>G, p.Ser78Trp (NM_001276346.2); short protein forms S64W, S69W, S78W, S79W.
Identifiers: ClinVar variation 1332034 (VCV001332034.2), dbSNP rs761953142, ClinGen allele CA344206739.

ClinVar aggregate classification (germline): Uncertain significance (1 of 4 stars; one submission).

Conditions:
Cardiomyopathy (CMYO). Also called: Cardiomyopathies. Identifiers: Orphanet 167848, MedGen C0878544, MONDO:0004994, HP:0001638. Inheritance: Various modes of inheritance.

Submission:

Color Diagnostics, LLC DBA Color Health
Classification: Uncertain significance for Cardiomyopathy. Last evaluated: 2021-06-28. Review status: criteria provided, single submitter. Criteria: ACMG Guidelines, 2015. Collection method: clinical testing. Allele origin: germline.
Comment: This missense variant replaces serine with tryptophan at codon 69 of the TNNT2 protein. Computational prediction suggests that this variant may not impact protein structure and function (internally defined REVEL score threshold <= 0.5, PMID: 27666373). To our knowledge, functional studies have not been reported for this variant. This variant has not been reported in individuals affected with cardiovascular disorders in the literature. This variant has not been identified in the general population by the Genome Aggregation Database (gnomAD). The available evidence is insufficient to determine the role of this variant in disease conclusively. Therefore, this variant is classified as a Variant of Uncertain Significance.